The following is an entry in ClinVar:

ClinVar aggregate classification (germline): Uncertain significance. Review status: criteria provided, multiple submitters, no conflicts (2 of 4 stars). 2 submissions from 2 submitters: Uncertain significance (2). Last evaluated 2025-05-24.

Conditions:
MAGEL2-related disorder. Also called: MAGEL2-related condition.

Allele frequency attached by ClinVar (database versions not stated): gnomAD 0.00001; gnomAD exomes 0.00001; ExAC 0.00002; TOPMed 0.00003.
gnomAD v4.1: 10 of 1,613,690 alleles (0.00062%); highest among the groups gnomAD compares: African/African-American, 0.012%; no homozygotes.

Submissions (2):

PreventionGenetics, part of Exact Sciences
Classification: Uncertain significance for MAGEL2-related condition. Last evaluated: 2025-05-24. Review status: criteria provided, single submitter. Criteria: ACMG Guidelines, 2015. Collection method: clinical testing. Allele origin: germline.
Comment: The MAGEL2 c.3503A>C variant is predicted to result in the amino acid substitution p.Glu1168Ala. To our knowledge, this variant has not been reported in the literature. This variant is reported in 0.012% of alleles in individuals of African descent in gnomAD. At this time, the clinical significance of this variant is uncertain due to the absence of conclusive functional and genetic evidence.

Labcorp Genetics (formerly Invitae), Labcorp
Classification: Uncertain significance. Last evaluated: 2023-05-12. Review status: criteria provided, single submitter. Criteria: Invitae Variant Classification Sherloc (09022015). Collection method: clinical testing. Allele origin: germline.
Comment: In summary, the available evidence is currently insufficient to determine the role of this variant in disease. Therefore, it has been classified as a Variant of Uncertain Significance. Advanced modeling of protein sequence and biophysical properties (such as structural, functional, and spatial information, amino acid conservation, physicochemical variation, residue mobility, and thermodynamic stability) has been performed at Invitae for this missense variant, however the output from this modeling did not meet the statistical confidence thresholds required to predict the impact of this variant on MAGEL2 protein function. This variant has not been reported in the literature in individuals affected with MAGEL2-related conditions. This variant is present in population databases (rs772792691, gnomAD 0.01%). This sequence change replaces glutamic acid, which is acidic and polar, with alanine, which is neutral and non-polar, at codon 1168 of the MAGEL2 protein (p.Glu1168Ala).

NM_019066.5(MAGEL2):c.3503A>C (p.Glu1168Ala)

Gene: MAGEL2 (MAGE family member L2; minus strand). Cytogenetic location: 15q11.2.
Variant type: single nucleotide variant.
Coding change: c.3503A>C on transcript NM_019066.5 (MANE Select); coding-DNA position 3503, A replaced by C.
Protein change: p.Glu1168Ala; replaces glutamic acid 1168 with alanine.
Molecular consequence: missense variant.
Genome position (GRCh38, 1-based): chr15:23,644,240, T>G on the plus strand (A>C on the coding strand, the complement: MAGEL2 is on the minus strand). VCF-style: chr15-23644240-T-G. GRCh37 (hg19) VCF-style: chr15-23889387-T-G.
Other names: c.3503A>C (NM_019066.4); short protein forms E1168A.
Identifiers: ClinVar variation 2905434 (VCV002905434.4), dbSNP rs772792691, ClinGen allele CA7429685.